The following is an entry in ClinVar:

NM_000256.3(MYBPC3):c.1379T>C (p.Leu460Ser)

Gene: MYBPC3 (myosin binding protein C3; minus strand). Cytogenetic location: 11p11.2.
Variant type: single nucleotide variant.
Coding change: c.1379T>C on transcript NM_000256.3 (MANE Select); coding-DNA position 1379, T replaced by C.
Protein change: p.Leu460Ser; replaces leucine 460 with serine.
Molecular consequence: missense variant.
Genome position (GRCh38, 1-based): chr11:47,342,908, A>G on the plus strand (T>C on the coding strand, the complement: MYBPC3 is on the minus strand). VCF-style: chr11-47342908-A-G. GRCh37 (hg19) VCF-style: chr11-47364459-A-G.
Other names: short protein forms L460S.
Identifiers: ClinVar variation 1677956 (VCV001677956.4), dbSNP rs1595846382, ClinGen allele CA380326264.
Genomic context (GRCh38, chr11:47,342,908, plus strand): 5'-TCCTCCGATACTTCACACTCAAACTCCACCCGCTGCCCCACCATCACCAGCTGGTCCTCC[A>G]AGGGGCGCGTGATGAGCACAGGGGGCTCTGTCCAGGCAGGGTGAGCATGAGGGTTGGCTC-3'
Protein context (NP_000247.2, residues 450-470): KEPPVLITRP[Leu460Ser]EDQLVMVGQR

ClinVar aggregate classification (germline): Uncertain significance. Review status: criteria provided, multiple submitters, no conflicts (2 of 4 stars). 3 submissions from 3 submitters: Uncertain significance (3). Last evaluated 2025-11-10.

Conditions:
Hypertrophic cardiomyopathy 4. Also called: Familial hypertrophic cardiomyopathy 4. Identifiers: MedGen C1861862, MONDO:0007268, OMIM 115197.
Hypertrophic cardiomyopathy. Also called: HYPERTROPHIC MYOCARDIOPATHY. Identifiers: Orphanet 217569, MedGen C0007194, MeSH D002312, MONDO:0005045, HP:0001639.

Submissions (3):

3billion
Classification: Uncertain significance for Hypertrophic cardiomyopathy 4. Last evaluated: 2025-11-10. Review status: criteria provided, single submitter. Criteria: ACMG Guidelines, 2015. Collection method: clinical testing. Allele origin: germline. Affected: yes.
Comment: The variant is not observed in the gnomAD v4.1.0 dataset. Predicted Consequence/Location: Missense variant In silico tool predictions suggest damaging effect of the variant on gene or gene product [REVEL: 0.86 (>=0.6, sensitivity 0.68 and specificity 0.92)]. The variant has been reported as of uncertain significance (ClinVar ID: VCV001677956). Different missense changes at the same codon have been reported as of uncertain significance (ClinVar ID: VCV000684837). Therefore, this variant is classified as VUS according to the recommendation of ACMG/AMP guideline.

Labcorp Genetics (formerly Invitae), Labcorp
Classification: Uncertain significance for Hypertrophic cardiomyopathy. Last evaluated: 2024-05-23. Review status: criteria provided, single submitter. Criteria: Invitae Variant Classification Sherloc (09022015). Collection method: clinical testing. Allele origin: germline.
Comment: This sequence change replaces leucine, which is neutral and non-polar, with serine, which is neutral and polar, at codon 460 of the MYBPC3 protein (p.Leu460Ser). This variant is not present in population databases (gnomAD no frequency). This variant has not been reported in the literature in individuals affected with MYBPC3-related conditions. ClinVar contains an entry for this variant (Variation ID: 1677956). An algorithm developed to predict the effect of missense changes on protein structure and function (PolyPhen-2) suggests that this variant is likely to be disruptive. In summary, the available evidence is currently insufficient to determine the role of this variant in disease. Therefore, it has been classified as a Variant of Uncertain Significance.

AiLife Diagnostics
Classification: Uncertain significance. Last evaluated: 2022-02-21. Review status: criteria provided, single submitter. Criteria: ACMG Guidelines, 2015. Collection method: clinical testing. Allele origin: germline. Affected: yes. Observed: 1 variant allele.